The following is an entry in ClinVar:

NM_001080495.3(TNRC18):c.6408G>C (p.Pro2136=)

Gene: TNRC18 (trinucleotide repeat containing 18; minus strand). Cytogenetic location: 7p22.1.
Variant type: single nucleotide variant.
Coding change: c.6408G>C on transcript NM_001080495.3 (MANE Select); coding-DNA position 6408, G replaced by C.
Protein change: p.Pro2136=; no amino-acid change (proline 2136 retained).
Molecular consequence: synonymous variant.
Genome position (GRCh38, 1-based): chr7:5,324,248, C>G on the plus strand (G>C on the coding strand, the complement: TNRC18 is on the minus strand). VCF-style: chr7-5324248-C-G. GRCh37 (hg19) VCF-style: chr7-5363879-C-G.
Identifiers: ClinVar variation 5039538 (VCV005039538.1).

ClinVar aggregate classification (germline): Likely benign (1 of 4 stars; one submission).

gnomAD v4.1: 1 of 1,611,516 alleles (0.000062%); highest among the groups gnomAD compares: Non-Finnish European, 0.000085%; no homozygotes.

Submission:

CeGaT Center for Human Genetics Tuebingen
Classification: Likely benign. Last evaluated: 2026-07-01. Review status: criteria provided, single submitter. Criteria: CeGaT Center For Human Genetics Tuebingen Variant Classification Criteria Version 2. Collection method: clinical testing. Allele origin: germline. Affected: yes. Observed: 1 variant allele.
Comment: TNRC18: BP4, BP7